The following is an entry in ClinVar:

ClinVar aggregate classification (germline): Uncertain significance. Review status: criteria provided, multiple submitters, no conflicts (2 of 4 stars). 2 submissions from 2 submitters: Uncertain significance (2). Last evaluated 2025-08-11.

Conditions:
Cardiomyopathy (CMYO). Also called: Cardiomyopathies. Identifiers: Orphanet 167848, MedGen C0878544, MONDO:0004994, HP:0001638. Inheritance: Various modes of inheritance.
Arrhythmogenic right ventricular dysplasia 8 (ARVD8). Also called: Arrhythmogenic Right Ventricular Dysplasia/Cardiomyopathy 8; ARRHYTHMOGENIC RIGHT VENTRICULAR DYSPLASIA, FAMILIAL, 8; ARRHYTHMOGENIC RIGHT VENTRICULAR CARDIOMYOPATHY 8. Identifiers: MedGen C1843896, MONDO:0011831, OMIM 607450.
Arrhythmogenic cardiomyopathy with wooly hair and keratoderma. Also called: PALMOPLANTAR KERATODERMA WITH LEFT VENTRICULAR CARDIOMYOPATHY AND WOOLLY HAIR; Carvajal syndrome; Dilated cardiomyopathy with woolly hair and keratoderma; Arrhythmogenic cardiomyopathy with woolly hair and keratoderma. Identifiers: Orphanet 65282, MedGen C1854063, MONDO:0011581, OMIM 605676.

Submissions (2):

Labcorp Genetics (formerly Invitae), Labcorp
Classification: Uncertain significance for Arrhythmogenic cardiomyopathy with wooly hair and keratoderma; Arrhythmogenic right ventricular dysplasia 8. Last evaluated: 2025-08-11. Review status: criteria provided, single submitter. Criteria: Invitae Variant Classification Sherloc (09022015). Collection method: clinical testing. Allele origin: germline.
Comment: This sequence change replaces aspartic acid, which is acidic and polar, with glycine, which is neutral and non-polar, at codon 1638 of the DSP protein (p.Asp1638Gly). This variant is not present in population databases (gnomAD no frequency). This variant has not been reported in the literature in individuals affected with DSP-related conditions. ClinVar contains an entry for this variant (Variation ID: 924950). An algorithm developed to predict the effect of missense changes on protein structure and function (PolyPhen-2) suggests that this variant is likely to be tolerated. In summary, the available evidence is currently insufficient to determine the role of this variant in disease. Therefore, it has been classified as a Variant of Uncertain Significance.

Color Diagnostics, LLC DBA Color Health
Classification: Uncertain significance for Cardiomyopathy. Last evaluated: 2024-03-06. Review status: criteria provided, single submitter. Criteria: ACMG Guidelines, 2015. Collection method: clinical testing. Allele origin: germline.
Comment: This missense variant replaces aspartic acid with glycine at codon 1638 of the DSP protein. Computational prediction suggests that this variant may not impact protein structure and function (internally defined REVEL score threshold <= 0.5, PMID: 27666373). To our knowledge, functional studies have not been reported for this variant. This variant has not been reported in individuals affected with cardiovascular disorders in the literature. This variant has not been identified in the general population by the Genome Aggregation Database (gnomAD). The available evidence is insufficient to determine the role of this variant in disease conclusively. Therefore, this variant is classified as a Variant of Uncertain Significance.

NM_004415.4(DSP):c.4913A>G (p.Asp1638Gly)

Gene: DSP (desmoplakin; plus strand). Cytogenetic location: 6p24.3.
Variant type: single nucleotide variant.
Coding change: c.4913A>G on transcript NM_004415.4 (MANE Select); coding-DNA position 4913, A replaced by G.
Protein change: p.Asp1638Gly; replaces aspartic acid 1638 with glycine.
Molecular consequence: missense variant. On other transcripts: intron variant (2).
Genome position (GRCh38, 1-based): chr6:7,581,103, A>G. VCF-style: chr6-7581103-A-G. GRCh37 (hg19) VCF-style: chr6-7581336-A-G.
Other names: c.4050+863A>G (NM_001319034.2); c.3582+1331A>G (NM_001008844.3); short protein forms D1638G.
Identifiers: ClinVar variation 924950 (VCV000924950.5), dbSNP rs1759423375, ClinGen allele CA362687432.